The following is an entry in ClinVar:

ClinVar aggregate classification (germline): Conflicting classifications of pathogenicity. Review status: criteria provided, conflicting classifications (1 of 4 stars). 7 submissions from 7 submitters: Uncertain significance (3); Likely benign (2). 2 of the submissions do not count toward it. Last evaluated 2025-07-01.

Conditions:
Inborn genetic diseases. Identifiers: MedGen C0950123, MeSH D030342.
Glutaric aciduria, type 1. Also called: Glutaricaciduria, type I; Glutaryl-CoA dehydrogenase deficiency; Glutaricacidemia Type 1; Glutaric Acidemia Type 1; GA I; Glutaric acidemia type I. Identifiers: Orphanet 25, MedGen C0268595, MONDO:0009281, OMIM 231670.
Intellectual disability. Also called: Intellectual developmental disorder; intellectual disabilities; Intellectual functioning disability. Identifiers: MedGen C3714756, MeSH D008607, MONDO:0001071, HP:0001249.

Allele frequency attached by ClinVar (database versions not stated): gnomAD 0.00008; TOPMed 0.00009; gnomAD exomes 0.00011; ExAC 0.00012.
gnomAD v4.1: 221 of 1,610,846 alleles (0.014%); highest among the groups gnomAD compares: Non-Finnish European, 0.017%; no homozygotes.

Submissions (7):

CeGaT Center for Human Genetics Tuebingen
Classification: Uncertain significance. Last evaluated: 2025-07-01. Review status: criteria provided, single submitter. Criteria: CeGaT Center For Human Genetics Tuebingen Variant Classification Criteria Version 2. Collection method: clinical testing. Allele origin: germline. Affected: yes. Observed: 1 variant allele.
Comment: GCDH: PM2

Blueprint Genetics
Classification: Likely benign. Last evaluated: 2024-06-28. Review status: criteria provided, single submitter. Criteria: ACMG Guidelines, 2015. Collection method: clinical testing. Allele origin: germline.

Labcorp Genetics (formerly Invitae), Labcorp
Classification: Uncertain significance for Glutaric aciduria, type 1. Last evaluated: 2022-06-05. Review status: criteria provided, single submitter. Criteria: Invitae Variant Classification Sherloc (09022015). Collection method: clinical testing. Allele origin: germline.
Comment: This sequence change replaces alanine, which is neutral and non-polar, with threonine, which is neutral and polar, at codon 316 of the GCDH protein (p.Ala316Thr). This variant is present in population databases (rs370059118, gnomAD 0.02%). This variant has not been reported in the literature in individuals affected with GCDH-related conditions. ClinVar contains an entry for this variant (Variation ID: 971376). Advanced modeling of protein sequence and biophysical properties (such as structural, functional, and spatial information, amino acid conservation, physicochemical variation, residue mobility, and thermodynamic stability) performed at Invitae indicates that this missense variant is not expected to disrupt GCDH protein function. In summary, the available evidence is currently insufficient to determine the role of this variant in disease. Therefore, it has been classified as a Variant of Uncertain Significance.

Ambry Genetics
Classification: Likely benign for Inborn genetic diseases. Last evaluated: 2021-11-05. Review status: criteria provided, single submitter. Criteria: Ambry Variant Classification Scheme 2023. Collection method: clinical testing. Allele origin: germline.

Fulgent Genetics
Classification: Uncertain significance for Glutaric aciduria, type 1. Last evaluated: 2021-07-13. Review status: criteria provided, single submitter. Criteria: ACMG Guidelines, 2015. Collection method: clinical testing. Allele origin: unknown.

Natera, Inc.
Classification: Uncertain significance for Glutaric acidemia type 1. Last evaluated: 2020-01-24. Review status: no assertion criteria provided. Collection method: clinical testing. Allele origin: germline. Not counted in ClinVar's aggregate classification.

Centre de Biologie Pathologie Génétique, Centre Hospitalier Universitaire de Lille
Classification: Likely benign for Intellectual disability. Last evaluated: 2019-01-01. Review status: no assertion criteria provided. Collection method: clinical testing. Allele origin: inherited. Affected: yes. Not counted in ClinVar's aggregate classification.

NM_000159.4(GCDH):c.946G>A (p.Ala316Thr)

Gene: GCDH (glutaryl-CoA dehydrogenase; plus strand). Cytogenetic location: 19p13.13.
Variant type: single nucleotide variant.
Coding change: c.946G>A on transcript NM_000159.4 (MANE Select); coding-DNA position 946, G replaced by A.
Protein change: p.Ala316Thr; replaces alanine 316 with threonine.
Molecular consequence: missense variant. On other transcripts: non-coding transcript variant (2).
Genome position (GRCh38, 1-based): chr19:12,897,003, G>A. VCF-style: chr19-12897003-G-A. GRCh37 (hg19) VCF-style: chr19-13007817-G-A.
Other names: c.946G>A (NM_000159.2); c.946G>A, p.Ala316Thr (NM_013976.5); short protein forms A316T.
Identifiers: ClinVar variation 971376 (VCV000971376.20), dbSNP rs370059118, ClinGen allele CA9234551.